The following is an entry in ClinVar:

NM_000169.3(GLA):c.758T>G (p.Ile253Ser)

Genes: GLA (galactosidase alpha; minus strand), RPL36A-HNRNPH2 (RPL36A-HNRNPH2 readthrough; plus strand). Cytogenetic location: Xq22.1.
Variant type: single nucleotide variant.
Coding change: c.758T>G on transcript NM_000169.3 (MANE Select); coding-DNA position 758, T replaced by G.
Protein change: p.Ile253Ser; replaces isoleucine 253 with serine.
Molecular consequence: missense variant. On other transcripts: non-coding transcript variant (3), intron variant (2).
Genome position (GRCh38, 1-based): chrX:101,398,828, A>C on the plus strand (T>G on the coding strand, the complement: GLA is on the minus strand). VCF-style: chrX-101398828-A-C. GRCh37 (hg19) VCF-style: chrX-100653816-A-C.
Other names: c.881T>G, p.Ile294Ser (NM_001406747.1); c.758T>G, p.Ile253Ser (NM_001406748.1); c.300+3371A>C (NM_001199973.2); c.177+7006A>C (NM_001199974.2); short protein forms I253S, I294S.
Identifiers: ClinVar variation 4087496 (VCV004087496.2).

ClinVar aggregate classification (germline): Likely pathogenic (1 of 4 stars; one submission).

Conditions:
Fabry disease. Also called: ALPHA-GALACTOSIDASE A DEFICIENCY; ANDERSON-FABRY DISEASE; CERAMIDE TRIHEXOSIDASE DEFICIENCY; GLA DEFICIENCY; HEREDITARY DYSTOPIC LIPIDOSIS; Angiokeratoma corporis diffusum. Identifiers: Orphanet 324, MedGen C0002986, MONDO:0010526, OMIM 301500, HP:0001071. Disease mechanism: Fabry disease is due to inactivating mutations in the X-linked GLA gene resulting in deficiency of the enzyme Alpha Galactosidase-A., loss of function.

Submission:

Genomenon, Inc
Classification: Likely pathogenic for Fabry disease. Last evaluated: 2026-09-08. Review status: criteria provided, single submitter. Criteria: Genomenon Sequence Variant Interpretation Standards - Updated. Collection method: curation. Allele origin: germline. Affected: yes.
Comment: GLA p.Ile253Ser (c.758T>G) is a missense variant that changes the amino acid at codon 253 from Isoleucine to Serine. This variant has been observed in at least one proband with clinical features consistent with Fabry disease (PMID:27834756;34440358;27657681). At least one functional study has demonstrated a substantial alteration in protein function relative to the wild-type (PMID:32023956;27657681;23935525). It is absent or not present at a significant frequency in gnomAD. In silico models predict that this variant is possibly or probably damaging. In conclusion, we classify GLA p.Ile253Ser (c.758T>G) as a likely pathogenic variant.

Literature cited by the submitters: PubMed 27834756; PubMed 34440358; PubMed 27657681; PubMed 32023956; PubMed 23935525.